The following is an entry in ClinVar:

ClinVar aggregate classification (germline): Likely pathogenic. Review status: criteria provided, multiple submitters, no conflicts (2 of 4 stars). 4 submissions from 4 submitters: Likely pathogenic (3). 1 of the submissions does not count toward it. Last evaluated 2025-01-20.

Conditions:
Pyknodysostosis. Also called: Pycnodysostosis. Identifiers: Orphanet 763, MedGen C0238402, MONDO:0009940, OMIM 265800.

Submissions (4):

Diagnostics Services (NGS), CSIR - Centre For Cellular And Molecular Biology
Classification: Likely pathogenic for Pyknodysostosis. Last evaluated: 2025-01-20. Review status: criteria provided, single submitter. Criteria: ACMG Guidelines, 2015. Collection method: clinical testing. Allele origin: germline. Affected: yes. Observed: 2 variant alleles, 2 homozygotes.
Comment: The c.400-1G>C variant is not present in publicly available population databases like 1000 Genomes, EVS, gnomAD, Indian Exome Database or our internal database. This variant has not been published in literature in individuals affected with CTSK-related conditions. It has been previously reported to the ClinVar database (Accession: VCV000550892.5) as ‘Likely pathogenic’ by three submitters. Algorithms developed to predict the effect of sequence changes on RNA splicing suggest that this variant can disrupt the consensus splice site. In-silico pathogenicity prediction programs like HSF3.1, MutationTaster2021, CADD, Franklin, Varsome etc predicted this variant to be likely deleterious however these predictions were not confirmed by published functional studies.

Genome-Nilou Lab
Classification: Likely pathogenic for Pyknodysostosis. Last evaluated: 2023-04-11. Review status: criteria provided, single submitter. Criteria: ACMG Guidelines, 2015. Collection method: clinical testing. Allele origin: germline. Affected: no.

Labcorp Genetics (formerly Invitae), Labcorp
Classification: Likely pathogenic. Last evaluated: 2022-09-22. Review status: criteria provided, single submitter. Criteria: Invitae Variant Classification Sherloc (09022015). Collection method: clinical testing. Allele origin: germline.
Comment: In summary, the currently available evidence indicates that the variant is pathogenic, but additional data are needed to prove that conclusively. Therefore, this variant has been classified as Likely Pathogenic. Algorithms developed to predict the effect of sequence changes on RNA splicing suggest that this variant may disrupt the consensus splice site. ClinVar contains an entry for this variant (Variation ID: 550892). This variant has not been reported in the literature in individuals affected with CTSK-related conditions. This variant is not present in population databases (gnomAD no frequency). This sequence change affects an acceptor splice site in intron 4 of the CTSK gene. It is expected to disrupt RNA splicing. Variants that disrupt the donor or acceptor splice site typically lead to a loss of protein function (PMID: 16199547), and loss-of-function variants in CTSK are known to be pathogenic (PMID: 12125807, 21569238).

Counsyl
Classification: Likely pathogenic for Pyknodysostosis. Last evaluated: 2017-02-28. Review status: no assertion criteria provided. Collection method: clinical testing. Allele origin: unknown. Not counted in ClinVar's aggregate classification.

Literature cited by the submitters: PubMed 16199547 (cited by Labcorp Genetics (formerly Invitae), Labcorp); PubMed 12125807 (cited by Labcorp Genetics (formerly Invitae), Labcorp); PubMed 21569238 (cited by Labcorp Genetics (formerly Invitae), Labcorp).

NM_000396.4(CTSK):c.400-1G>C

Gene: CTSK (cathepsin K; minus strand). Cytogenetic location: 1q21.3.
Variant type: single nucleotide variant.
Coding change: c.400-1G>C on transcript NM_000396.4 (MANE Select); the canonical splice acceptor site of the intron before coding-DNA position 400, G replaced by C.
Molecular consequence: splice acceptor variant.
Genome position (GRCh38, 1-based): chr1:150,804,240, C>G on the plus strand (G>C on the coding strand, the complement: CTSK is on the minus strand). VCF-style: chr1-150804240-C-G. GRCh37 (hg19) VCF-style: chr1-150776716-C-G.
Identifiers: ClinVar variation 550892 (VCV000550892.9), dbSNP rs1553197262, ClinGen allele CA342336807.